The following is an entry in ClinVar:

ClinVar aggregate classification (germline): Uncertain significance (1 of 4 stars; one submission).

Submission:

Labcorp Genetics (formerly Invitae), Labcorp
Classification: Uncertain significance. Last evaluated: 2024-06-19. Review status: criteria provided, single submitter. Criteria: Invitae Variant Classification Sherloc (09022015). Collection method: clinical testing. Allele origin: germline.
Comment: This sequence change replaces isoleucine, which is neutral and non-polar, with threonine, which is neutral and polar, at codon 1185 of the SETBP1 protein (p.Ile1185Thr). This variant is not present in population databases (gnomAD no frequency). This variant has not been reported in the literature in individuals affected with SETBP1-related conditions. Advanced modeling of protein sequence and biophysical properties (such as structural, functional, and spatial information, amino acid conservation, physicochemical variation, residue mobility, and thermodynamic stability) performed at Invitae indicates that this missense variant is not expected to disrupt SETBP1 protein function with a negative predictive value of 80%. In summary, the available evidence is currently insufficient to determine the role of this variant in disease. Therefore, it has been classified as a Variant of Uncertain Significance.

NM_015559.3(SETBP1):c.3554T>C (p.Ile1185Thr)

Gene: SETBP1 (SET binding protein 1; plus strand). Cytogenetic location: 18q12.3.
Variant type: single nucleotide variant.
Coding change: c.3554T>C on transcript NM_015559.3 (MANE Select); coding-DNA position 3554, T replaced by C.
Protein change: p.Ile1185Thr; replaces isoleucine 1185 with threonine.
Molecular consequence: missense variant.
Genome position (GRCh38, 1-based): chr18:44,952,894, T>C. VCF-style: chr18-44952894-T-C. GRCh37 (hg19) VCF-style: chr18-42532859-T-C.
Other names: c.3554T>C, p.Ile1185Thr (NM_001379141.1, NM_001379142.1, NM_001410862.1); short protein forms I1185T.
Identifiers: ClinVar variation 3665291 (VCV003665291.2).